The following is an entry in ClinVar:

NM_006904.7(PRKDC):c.1904C>G (p.Pro635Arg)

Gene: PRKDC (protein kinase, DNA-activated, catalytic subunit; minus strand). Cytogenetic location: 8q11.21.
Variant type: single nucleotide variant.
Coding change: c.1904C>G on transcript NM_006904.7 (MANE Select); coding-DNA position 1904, C replaced by G.
Protein change: p.Pro635Arg; replaces proline 635 with arginine.
Molecular consequence: missense variant.
Genome position (GRCh38, 1-based): chr8:47,930,001, G>C on the plus strand (C>G on the coding strand, the complement: PRKDC is on the minus strand). VCF-style: chr8-47930001-G-C. GRCh37 (hg19) VCF-style: chr8-48842561-G-C.
Other names: c.1904C>G, p.Pro635Arg (NM_001081640.2); short protein forms P635R.
Identifiers: ClinVar variation 3310081 (VCV003310081.1).

ClinVar aggregate classification (germline): Uncertain significance (1 of 4 stars; one submission).

Submission:

Ambry Genetics
Classification: Uncertain significance. Last evaluated: 2024-03-18. Review status: criteria provided, single submitter. Criteria: Ambry Variant Classification Scheme 2023. Collection method: clinical testing. Allele origin: germline.
Comment: The p.P635R variant (also known as c.1904C>G), located in coding exon 18 of the PRKDC gene, results from a C to G substitution at nucleotide position 1904. The proline at codon 635 is replaced by arginine, an amino acid with dissimilar properties. This amino acid position is conserved. In addition, this alteration is predicted to be tolerated by in silico analysis. Based on the available evidence, the clinical significance of this alteration remains unclear.